The following is an entry in ClinVar:

ClinVar aggregate classification (germline): Uncertain significance. Review status: criteria provided, multiple submitters, no conflicts (2 of 4 stars). 4 submissions from 4 submitters: Uncertain significance (4). Last evaluated 2025-02-07.

Conditions:
Intellectual disability, autosomal recessive 53 (NEDHSCA). Also called: GLYCOSYLPHOSPHATIDYLINOSITOL BIOSYNTHESIS DEFECT 13; Mental retardation, autosomal recessive 53; NEURODEVELOPMENTAL DISORDER WITH OR WITHOUT HYPOTONIA, SEIZURES, AND CEREBELLAR ATROPHY. Identifiers: Orphanet 488635, MedGen C4310794, MONDO:0014832, OMIM 616917.

Allele frequency attached by ClinVar (database versions not stated): ExAC 0.00001; gnomAD exomes 0.00001; TOPMed 0.00001; gnomAD 0.00003.
gnomAD v4.1: 46 of 1,614,086 alleles (0.0028%); highest among the groups gnomAD compares: South Asian, 0.0055%; no homozygotes.

Submissions (4):

GeneDx
Classification: Uncertain significance. Last evaluated: 2025-02-07. Review status: criteria provided, single submitter. Criteria: GeneDx Variant Classification Process June 2021. Collection method: clinical testing. Allele origin: germline. Affected: yes.
Comment: Not observed at significant frequency in large population cohorts (gnomAD); In silico analysis supports that this missense variant has a deleterious effect on protein structure/function; Has not been previously published as pathogenic or benign to our knowledge

Labcorp Genetics (formerly Invitae), Labcorp
Classification: Uncertain significance for Intellectual disability, autosomal recessive 53. Last evaluated: 2024-12-09. Review status: criteria provided, single submitter. Criteria: Invitae Variant Classification Sherloc (09022015). Collection method: clinical testing. Allele origin: germline.
Comment: This sequence change replaces alanine, which is neutral and non-polar, with valine, which is neutral and non-polar, at codon 319 of the PIGG protein (p.Ala319Val). This variant is present in population databases (rs779032464, gnomAD 0.004%). This variant has not been reported in the literature in individuals affected with PIGG-related conditions. ClinVar contains an entry for this variant (Variation ID: 1690460). Invitae Evidence Modeling of protein sequence and biophysical properties (such as structural, functional, and spatial information, amino acid conservation, physicochemical variation, residue mobility, and thermodynamic stability) indicates that this missense variant is expected to disrupt PIGG protein function with a positive predictive value of 80%. In summary, the available evidence is currently insufficient to determine the role of this variant in disease. Therefore, it has been classified as a Variant of Uncertain Significance.

Women's Health and Genetics/Laboratory Corporation of America, LabCorp
Classification: Uncertain significance. Last evaluated: 2023-06-30. Review status: criteria provided, single submitter. Criteria: LabCorp Variant Classification Summary - May 2015. Collection method: clinical testing. Allele origin: germline.
Comment: Variant summary: PIGG c.956C>T (p.Ala319Val) results in a non-conservative amino acid change located in the GPI ethanolamine phosphate transferase 2, N-terminal (IPR037674) of the encoded protein sequence. Four of five in-silico tools predict a damaging effect of the variant on protein function. The variant allele was found at a frequency of 8e-06 in 251494 control chromosomes. The available data on variant occurrences in the general population are insufficient to allow any conclusion about variant significance. To our knowledge, no occurrence of c.956C>T in individuals affected with Intellectual Disability, Autosomal Recessive 53 and no experimental evidence demonstrating its impact on protein function have been reported. Two submitters have cited clinical-significance assessments for this variant to ClinVar after 2014. All submitters classified the variant as uncertain significance. Based on the evidence outlined above, the variant was classified as uncertain significance.

Laboratorio de Genetica e Diagnostico Molecular, Hospital Israelita Albert Einstein
Classification: Uncertain significance. Last evaluated: 2021-02-01. Review status: criteria provided, single submitter. Criteria: ACMG Guidelines, 2015. Collection method: clinical testing. Allele origin: germline. Affected: yes.
Comment: ACMG classification criteria: PM2

NM_001127178.3(PIGG):c.956C>T (p.Ala319Val)

Gene: PIGG (phosphatidylinositol glycan anchor biosynthesis class G (EMM blood group); plus strand). Cytogenetic location: 4p16.3.
Variant type: single nucleotide variant.
Coding change: c.956C>T on transcript NM_001127178.3 (MANE Select); coding-DNA position 956, C replaced by T.
Protein change: p.Ala319Val; replaces alanine 319 with valine.
Molecular consequence: missense variant. On other transcripts: 5 prime UTR variant (4), non-coding transcript variant (10).
Genome position (GRCh38, 1-based): chr4:516,027, C>T. VCF-style: chr4-516027-C-T. GRCh37 (hg19) VCF-style: chr4-509816-C-T.
Other names: c.689C>T, p.Ala230Val (NM_001289051.2, NM_001289053.2, NM_001289057.2 and 2 more transcripts); c.557C>T, p.Ala186Val (NM_001289052.2); c.590C>T, p.Ala197Val (NM_001289055.2); c.-74C>T (NM_001345988.2); c.956C>T, p.Ala319Val (NM_001345989.2, NM_017733.5); c.-670C>T (NM_001345990.2); c.-532C>T (NM_001345991.2); c.-257C>T (NM_001345994.2); and 1 more; short protein forms A186V, A197V, A230V, A319V.
Identifiers: ClinVar variation 1690460 (VCV001690460.9), dbSNP rs779032464, ClinGen allele CA2793164.
Genomic context (GRCh38, chr4:516,027, plus strand): 5'-TTCTAGGTGATATCCGACATCCAAAGCACGTCCAACAGACGGATGTGGCTGCGACACTGG[C>T]GATAGCACTTGGCTTACCGATTCCAAAAGACAGTGTAGGGAGCCTCCTATTCCCAGTTGT-3'
Protein context (NP_001120650.1, residues 309-329): VQQTDVAATL[Ala319Val]IALGLPIPKD